The following is an entry in ClinVar:

NM_000492.4(CFTR):c.2662C>G (p.Pro888Ala)

Gene: CFTR (CF transmembrane conductance regulator; plus strand). Cytogenetic location: 7q31.2.
Variant type: single nucleotide variant.
Coding change: c.2662C>G on transcript NM_000492.4 (MANE Select); coding-DNA position 2662, C replaced by G.
Protein change: p.Pro888Ala; replaces proline 888 with alanine.
Molecular consequence: missense variant.
Genome position (GRCh38, 1-based): chr7:117,603,536, C>G. VCF-style: chr7-117603536-C-G. GRCh37 (hg19) VCF-style: chr7-117243590-C-G.
Other names: short protein forms P888A.
Identifiers: ClinVar variation 4868833 (VCV004868833.1).

ClinVar aggregate classification (germline): Uncertain significance (1 of 4 stars; one submission).

Conditions:
Cystic fibrosis (CF). Also called: MUCOVISCIDOSIS. Identifiers: Orphanet 586, MedGen C0010674, MONDO:0009061, OMIM 219700. Disease mechanism: loss of function.

Submission:

Ambry Genetics
Classification: Uncertain significance for Cystic fibrosis. Last evaluated: 2026-04-05. Review status: criteria provided, single submitter. Criteria: Ambry Variant Classification Scheme 2023. Collection method: clinical testing. Allele origin: germline.
Comment: The p.P888A variant (also known as c.2662C>G), located in coding exon 17 of the CFTR gene, results from a C to G substitution at nucleotide position 2662. The proline at codon 888 is replaced by alanine, an amino acid with highly similar properties. This amino acid position is conserved. In addition, this alteration is predicted to be tolerated by in silico analysis. Based on the available evidence, the clinical significance of this variant remains unclear.